The following is an entry in ClinVar:

NM_001029883.3(PCARE):c.3184G>A (p.Glu1062Lys)

Gene: PCARE (photoreceptor cilium actin regulator; minus strand). Cytogenetic location: 2p23.2.
Variant type: single nucleotide variant.
Coding change: c.3184G>A on transcript NM_001029883.3 (MANE Select); coding-DNA position 3184, G replaced by A.
Protein change: p.Glu1062Lys; replaces glutamic acid 1062 with lysine.
Molecular consequence: missense variant.
Genome position (GRCh38, 1-based): chr2:29,071,078, C>T on the plus strand (G>A on the coding strand, the complement: PCARE is on the minus strand). VCF-style: chr2-29071078-C-T. GRCh37 (hg19) VCF-style: chr2-29293944-C-T.
Other names: short protein forms E1062K.
Identifiers: ClinVar variation 1039491 (VCV001039491.9), dbSNP rs555070980, ClinGen allele CA1591998.

ClinVar aggregate classification (germline): Uncertain significance. Review status: criteria provided, multiple submitters, no conflicts (2 of 4 stars). 2 submissions from 2 submitters: Uncertain significance (2). Last evaluated 2024-12-09.

Allele frequency attached by ClinVar (database versions not stated): ExAC 0.00002; gnomAD 0.00008 and 0.00009.
gnomAD v4.1: 29 of 1,262,916 alleles (0.0023%); highest among the groups gnomAD compares: Admixed American, 0.022%; no homozygotes.

Submissions (2):

Labcorp Genetics (formerly Invitae), Labcorp
Classification: Uncertain significance. Last evaluated: 2024-12-09. Review status: criteria provided, single submitter. Criteria: Invitae Variant Classification Sherloc (09022015). Collection method: clinical testing. Allele origin: germline.
Comment: This sequence change replaces glutamic acid, which is acidic and polar, with lysine, which is basic and polar, at codon 1062 of the PCARE protein (p.Glu1062Lys). The frequency data for this variant in the population databases is considered unreliable, as metrics indicate poor data quality at this position in the gnomAD database. This variant has not been reported in the literature in individuals affected with PCARE-related conditions. ClinVar contains an entry for this variant (Variation ID: 1039491). An algorithm developed to predict the effect of missense changes on protein structure and function (PolyPhen-2) suggests that this variant is likely to be tolerated. In summary, the available evidence is currently insufficient to determine the role of this variant in disease. Therefore, it has been classified as a Variant of Uncertain Significance.

Blueprint Genetics
Classification: Uncertain significance. Last evaluated: 2023-03-20. Review status: criteria provided, single submitter. Criteria: ACMG Guidelines, 2015. Collection method: clinical testing. Allele origin: germline.